The following is an entry in ClinVar:

NM_201384.3(PLEC):c.13087C>T (p.Arg4363Cys)

Gene: PLEC (plectin; minus strand). Cytogenetic location: 8q24.3.
Variant type: single nucleotide variant.
Coding change: c.13087C>T on transcript NM_201384.3 (MANE Select); coding-DNA position 13087, C replaced by T.
Protein change: p.Arg4363Cys; replaces arginine 4363 with cysteine.
Molecular consequence: missense variant.
Genome position (GRCh38, 1-based): chr8:143,916,734, G>A on the plus strand (C>T on the coding strand, the complement: PLEC is on the minus strand). VCF-style: chr8-143916734-G-A. GRCh37 (hg19) VCF-style: chr8-144990902-G-A.
Other names: c.13168C>T, p.Arg4390Cys (NM_000445.5); c.13045C>T, p.Arg4349Cys (NM_201378.4); c.13021C>T, p.Arg4341Cys (NM_201379.3); c.13498C>T, p.Arg4500Cys (NM_201380.4); c.12991C>T, p.Arg4331Cys (NM_201381.3); c.13087C>T, p.Arg4363Cys (NM_201382.4); c.13099C>T, p.Arg4367Cys (NM_201383.3); short protein forms R4331C, R4341C, R4349C, R4363C, R4367C, R4390C, R4500C.
Identifiers: ClinVar variation 451855 (VCV000451855.22), dbSNP rs782348944, ClinGen allele CA4923908.

ClinVar aggregate classification (germline): Uncertain significance. Review status: criteria provided, multiple submitters, no conflicts (2 of 4 stars). 5 submissions from 5 submitters: Uncertain significance (5). Last evaluated 2025-10-27.

Conditions:
Autosomal recessive limb-girdle muscular dystrophy type 2Q (LGMDR17). Also called: MUSCULAR DYSTROPHY, LIMB-GIRDLE, AUTOSOMAL RECESSIVE 17. Identifiers: Orphanet 254361, MedGen C3150989, MONDO:0013390, OMIM 613723.
Epidermolysis bullosa simplex with nail dystrophy (EBS5D). Identifiers: MedGen C4225309, MONDO:0014661, OMIM 616487.
Epidermolysis bullosa simplex 5C, with pyloric atresia (EBS5C). Also called: PLEC1-Related Epidermolysis Bullosa with Pyloric Atresia; PLEC-Related Epidermolysis Bullosa with Pyloric Atresia; Epidermolysis bullosa simplex with pyloric atresia. Identifiers: Orphanet 158684, MedGen C2677349, MONDO:0012807, OMIM 612138.
Epidermolysis bullosa simplex, Ogna type (EBS5A). Also called: Pidermolysis bullosa simplex 5A, Ogna type; EPIDERMOLYSIS BULLOSA SIMPLEX 5A, OGNA TYPE. Identifiers: Orphanet 79401, MedGen C0432317, MONDO:0007555, OMIM 131950.
Epidermolysis bullosa simplex 5B, with muscular dystrophy (EBS5B). Also called: Epidermolysis bullosa simplex with muscular dystrophy; EPIDERMOLYSIS BULLOSA SIMPLEX AND LIMB-GIRDLE MUSCULAR DYSTROPHY. Identifiers: Orphanet 257, MedGen C2931072, MONDO:0009181, OMIM 226670.
Inborn genetic diseases. Identifiers: MedGen C0950123, MeSH D030342.

Allele frequency attached by ClinVar (database versions not stated): ExAC 0.00004; TOPMed 0.00004; gnomAD 0.00007.
gnomAD v4.1: 113 of 1,613,002 alleles (0.007%); highest among the groups gnomAD compares: Middle Eastern, 0.016%; no homozygotes.

Submissions (5):

Labcorp Genetics (formerly Invitae), Labcorp
Classification: Uncertain significance for Autosomal recessive limb-girdle muscular dystrophy type 2Q; Epidermolysis bullosa simplex, Ogna type; Epidermolysis bullosa simplex with nail dystrophy; Epidermolysis bullosa simplex 5C, with pyloric atresia; Epidermolysis bullosa simplex 5B, with muscular dystrophy. Last evaluated: 2025-10-27. Review status: criteria provided, single submitter. Criteria: Invitae Variant Classification Sherloc (09022015). Collection method: clinical testing. Allele origin: germline.
Comment: This sequence change replaces arginine, which is basic and polar, with cysteine, which is neutral and slightly polar, at codon 4390 of the PLEC protein (p.Arg4390Cys). This variant is present in population databases (rs782348944, gnomAD 0.01%). This variant has not been reported in the literature in individuals affected with PLEC-related conditions. ClinVar contains an entry for this variant (Variation ID: 451855). Invitae Evidence Modeling of protein sequence and biophysical properties (such as structural, functional, and spatial information, amino acid conservation, physicochemical variation, residue mobility, and thermodynamic stability) indicates that this missense variant is not expected to disrupt PLEC protein function with a negative predictive value of 80%. In summary, the available evidence is currently insufficient to determine the role of this variant in disease. Therefore, it has been classified as a Variant of Uncertain Significance.

Ambry Genetics
Classification: Uncertain significance for Inborn genetic diseases. Last evaluated: 2025-05-20. Review status: criteria provided, single submitter. Criteria: Ambry Variant Classification Scheme 2023. Collection method: clinical testing. Allele origin: germline.

Blueprint Genetics
Classification: Uncertain significance. Last evaluated: 2022-07-07. Review status: criteria provided, single submitter. Criteria: ACMG Guidelines, 2015. Collection method: clinical testing. Allele origin: germline.

Revvity Omics, Revvity
Classification: Uncertain significance. Last evaluated: 2021-06-16. Review status: criteria provided, single submitter. Criteria: ACMG Guidelines, 2015. Collection method: clinical testing. Allele origin: germline.

GeneDx
Classification: Uncertain significance. Last evaluated: 2017-09-07. Review status: criteria provided, single submitter. Criteria: GeneDx Variant Classification (06012015). Collection method: clinical testing. Allele origin: germline. Affected: yes.
Comment: The R4390C variant has not been published as a pathogenic variant, nor has it been reported as a benign variant to our knowledge. The R4390C variant is observed in 3/65,154 (0.004%) alleles from individuals of European background (Lek et al., 2016; 1000 Genomes Consortium et al., 2015; Exome Variant Server). This variant is a non-conservative amino acid substitution, which is likely to impact secondary protein structure as these residues differ in polarity, charge, size and/or other properties. This substitution occurs at a position that is conserved across species, and in silico analysis predicts this variant is probably damaging to the protein structure/function. However, most reported pathogenic variants in the PLEC gene are truncating/loss-of-function.